The following is an entry in ClinVar:

NM_206996.4(SPAG17):c.3282G>A (p.Glu1094=)

Gene: SPAG17 (sperm associated antigen 17; minus strand). Cytogenetic location: 1p12.
Variant type: single nucleotide variant.
Coding change: c.3282G>A on transcript NM_206996.4 (MANE Select); coding-DNA position 3282, G replaced by A.
Protein change: p.Glu1094=; no amino-acid change (glutamic acid 1094 retained).
Molecular consequence: synonymous variant.
Genome position (GRCh38, 1-based): chr1:118,039,329, C>T on the plus strand (G>A on the coding strand, the complement: SPAG17 is on the minus strand). VCF-style: chr1-118039329-C-T. GRCh37 (hg19) VCF-style: chr1-118581952-C-T.
Identifiers: ClinVar variation 2639035 (VCV002639035.24), dbSNP rs1431531182, ClinGen allele CA419991686.

ClinVar aggregate classification (germline): Likely benign (1 of 4 stars; one submission).

Submission:

CeGaT Center for Human Genetics Tuebingen
Classification: Likely benign. Last evaluated: 2022-07-01. Review status: criteria provided, single submitter. Criteria: CeGaT Center For Human Genetics Tuebingen Variant Classification Criteria Version 2. Collection method: clinical testing. Allele origin: germline. Affected: yes. Observed: 1 variant allele.
Comment: SPAG17: PM2:Supporting, BP4, BP7